The following is an entry in ClinVar:

ClinVar aggregate classification (germline): Uncertain significance (1 of 4 stars; one submission).

gnomAD v4.1: 6 of 1,614,122 alleles (0.00037%); highest among the groups gnomAD compares: Non-Finnish European, 0.00051%; no homozygotes.

Submission:

Labcorp Genetics (formerly Invitae), Labcorp
Classification: Uncertain significance. Last evaluated: 2025-07-06. Review status: criteria provided, single submitter. Criteria: Invitae Variant Classification Sherloc (09022015). Collection method: clinical testing. Allele origin: germline.
Comment: This sequence change replaces alanine, which is neutral and non-polar, with threonine, which is neutral and polar, at codon 259 of the DEAF1 protein (p.Ala259Thr). This variant is present in population databases (rs777093412, gnomAD 0.0009%). This variant has not been reported in the literature in individuals affected with DEAF1-related conditions. Invitae Evidence Modeling of protein sequence and biophysical properties (such as structural, functional, and spatial information, amino acid conservation, physicochemical variation, residue mobility, and thermodynamic stability) indicates that this missense variant is expected to disrupt DEAF1 protein function with a positive predictive value of 95%. In summary, the available evidence is currently insufficient to determine the role of this variant in disease. Therefore, it has been classified as a Variant of Uncertain Significance.

NM_021008.4(DEAF1):c.775G>A (p.Ala259Thr)

Gene: DEAF1 (DEAF1 transcription factor; minus strand). Cytogenetic location: 11p15.5.
Variant type: single nucleotide variant.
Coding change: c.775G>A on transcript NM_021008.4 (MANE Select); coding-DNA position 775, G replaced by A.
Protein change: p.Ala259Thr; replaces alanine 259 with threonine.
Molecular consequence: missense variant. On other transcripts: intron variant (1).
Genome position (GRCh38, 1-based): chr11:686,887, C>T on the plus strand (G>A on the coding strand, the complement: DEAF1 is on the minus strand). VCF-style: chr11-686887-C-T. GRCh37 (hg19) VCF-style: chr11-686887-C-T.
Other names: c.49G>A, p.Ala17Thr (NM_001367390.1, NM_001440885.1, NM_001440886.1 and 1 more transcripts); c.775G>A, p.Ala259Thr (NM_001440883.1, NM_001440884.1); c.664+1024G>A (NM_001293634.2); short protein forms A17T, A259T.
Identifiers: ClinVar variation 4716746 (VCV004716746.1).
Genomic context (GRCh38, chr11:686,887, plus strand): 5'-TGCTGAGCACAGGTGAGGTCACGGACGATACCTGGATGAGGCACTGCAAGGGTCGGCCCG[C>T]GTAGCGAATGCTTCTTTTCCAGTCCTTACTGCTGGCTCTTCCTGCCATGGCCTCAAACTC-3'
Protein context (NP_066288.2, residues 249-269): SKDWKRSIRY[Ala259Thr]GRPLQCLIQD